The following is an entry in ClinVar:

NM_002769.5(PRSS1):c.326T>A (p.Met109Lys)

Genes: TRB (T cell receptor beta locus; plus strand), PRSS1 (serine protease 1; plus strand). Cytogenetic location: 7q34.
Variant type: single nucleotide variant.
Coding change: c.326T>A on transcript NM_002769.5 (MANE Select); coding-DNA position 326, T replaced by A.
Protein change: p.Met109Lys; replaces methionine 109 with lysine.
Molecular consequence: missense variant. On other transcripts: non-coding transcript variant (4).
Genome position (GRCh38, 1-based): chr7:142,751,899, T>A. VCF-style: chr7-142751899-T-A. GRCh37 (hg19) VCF-style: chr7-142459750-T-A.
Other names: short protein forms M109K.
Identifiers: ClinVar variation 2563193 (VCV002563193.2), dbSNP rs1482612529, ClinGen allele CA369608808.

ClinVar aggregate classification (germline): Uncertain significance (1 of 4 stars; one submission).

Conditions:
Hereditary pancreatitis (PCTT). Also called: Hereditary chronic pancreatitis; PRSS1-Related Hereditary Pancreatitis. Identifiers: Orphanet 676, MedGen C0238339, MONDO:0008185, OMIM 167800.

Submission:

Ambry Genetics
Classification: Uncertain significance for Hereditary pancreatitis. Last evaluated: 2023-04-28. Review status: criteria provided, single submitter. Criteria: Ambry Variant Classification Scheme 2023. Collection method: clinical testing. Allele origin: germline.
Comment: The p.M109K variant (also known as c.326T>A), located in coding exon 3 of the PRSS1 gene, results from a T to A substitution at nucleotide position 326. The methionine at codon 109 is replaced by lysine, an amino acid with similar properties. This amino acid position is conserved. In addition, this alteration is predicted to be deleterious by in silico analysis. Since supporting evidence is limited at this time, the clinical significance of this alteration remains unclear.